The following is an entry in ClinVar:

NM_139276.3(STAT3):c.406G>C (p.Val136Leu)

Gene: STAT3 (signal transducer and activator of transcription 3; minus strand). Cytogenetic location: 17q21.2.
Variant type: single nucleotide variant.
Coding change: c.406G>C on transcript NM_139276.3 (MANE Select); coding-DNA position 406, G replaced by C.
Protein change: p.Val136Leu; replaces valine 136 with leucine.
Molecular consequence: missense variant. On other transcripts: intron variant (1).
Genome position (GRCh38, 1-based): chr17:42,339,376, C>G on the plus strand (G>C on the coding strand, the complement: STAT3 is on the minus strand). VCF-style: chr17-42339376-C-G. GRCh37 (hg19) VCF-style: chr17-40491394-C-G.
Other names: c.406G>C, p.Val136Leu (NM_001369512.1, NM_001369513.1, NM_001369514.1 and 15 more transcripts); c.328G>C, p.Val110Leu (NM_001384985.1); c.373-564G>C (NM_001384989.1); short protein forms V136L, V110L.
Identifiers: ClinVar variation 4984748 (VCV004984748.1).
Genomic context (GRCh38, chr17:42,339,376, plus strand): 5'-GCACTCTCTTCCGGACATCCTGAAGGTGCTGCTCCAGCATCTGCTGCTTCTCCGTCACCA[C>G]GGCTGCTGTGGGGTGGTTGGCCTGGCCCCCTTGCTGCCAAAAAGGAGGTCAATGCACATG-3'
Protein context (NP_644805.1, residues 126-146): GGQANHPTAA[Val136Leu]VTEKQQMLEQ

ClinVar aggregate classification (germline): Uncertain significance (1 of 4 stars; one submission).

Conditions:
STAT3-related disorder. Also called: STAT3-related condition.

gnomAD v4.1: 17 of 1,614,022 alleles (0.0011%); highest among the groups gnomAD compares: Non-Finnish European, 0.0014%; no homozygotes.

Submission:

PreventionGenetics, part of Exact Sciences
Classification: Uncertain significance for STAT3-related condition. Last evaluated: 2025-07-10. Review status: criteria provided, single submitter. Criteria: ACMG Guidelines, 2015. Collection method: clinical testing. Allele origin: germline.
Comment: The STAT3 c.406G>C variant is predicted to result in the amino acid substitution p.Val136Leu. To our knowledge, this variant has not been reported in the literature. This variant is reported in 0.0015% of alleles in individuals of European (Non-Finnish) descent in gnomAD. At this time, the clinical significance of this variant is uncertain due to the absence of conclusive functional and genetic evidence.